The following is an entry in ClinVar:

ClinVar aggregate classification (germline): Pathogenic (1 of 4 stars; one submission).

Conditions:
Neurodevelopmental disorder with language impairment, autism, and attention deficit-hyperactivity disorder. Identifiers: MedGen C5935603, MONDO:0968945, OMIM 620782.

Submission:

Victorian Clinical Genetics Services, Murdoch Childrens Research Institute
Classification: Pathogenic for Neurodevelopmental disorder with language impairment, autism, and attention deficit-hyperactivity disorder. Last evaluated: 2026-01-28. Review status: criteria provided, single submitter. Criteria: ACMG Guidelines, 2015. Collection method: clinical testing. Allele origin: germline. Affected: yes.
Comment: This variant is classified as Pathogenic. Evidence in support of pathogenic classification: Variant is predicted to cause nonsense-mediated decay (NMD) and loss of protein (premature termination codon is located at least 54 nucleotides upstream of the final exon-exon junction); Variant is absent from gnomAD (v2, v3 and v4); Other NMD-predicted variant(s) comparable to the one identified in this case have very strong previous evidence for pathogenicity. They have been reported in individuals with a neurodevelopmental disorder with language impairment, autism, and attention deficit-hyperactivity disorder (PMID: 35979925). Additional information: This variant is heterozygous; This gene is associated with autosomal dominant disease; This variant has no previous evidence of pathogenicity; No published evidence of segregation with disease has been identified for this variant; No published functional evidence has been identified for this variant; Loss of function is a known mechanism of disease in this gene is associated with neurodevelopmental disorder with language impairment, autism, and attention deficit-hyperactivity disorder (MIM#620782). Toxic gain of function is a suggested mechanism for an emerging condition neurodegeneration, childhood-onset, with cerebellar ataxia and cognitive decline (MIM#620636) and has been demonstrated for a single recurring missense variant (PMIDs: 35979925, 36136249); Variants in this gene are known to have variable expressivity. Variable presentation and severity has been observed for neurodevelopmental disorder with language impairment, autism, and attention deficit-hyperactivity disorder (MIM#620782) (PMID: 35979925).

Literature cited by the submitters: PubMed 35979925; PubMed 36136249.

NM_005898.5(CAPRIN1):c.1066A>T (p.Arg356Ter)

Gene: CAPRIN1 (cell cycle associated protein 1; plus strand). Cytogenetic location: 11p13.
Variant type: single nucleotide variant.
Coding change: c.1066A>T on transcript NM_005898.5 (MANE Select); coding-DNA position 1066, A replaced by T.
Protein change: p.Arg356Ter; replaces arginine 356 with a stop codon.
Molecular consequence: nonsense.
Genome position (GRCh38, 1-based): chr11:34,086,163, A>T. VCF-style: chr11-34086163-A-T. GRCh37 (hg19) VCF-style: chr11-34107710-A-T.
Other names: c.1066A>T, p.Arg356Ter (NM_203364.3); short protein forms R356*.
Identifiers: ClinVar variation 4819016 (VCV004819016.1).
Genomic context (GRCh38, chr11:34,086,163, plus strand): 5'-CCTTCAGTACCAGAGCCCCACTCTTTGACTCCAGTGGCTCAGGCAGATCCCCTTGTGAGA[A>T]GACAGCGAGTACAAGACCTTATGGCACAAATGCAGGGTCCCTATAATTTCATACAGGTAT-3'